The following is an entry in ClinVar:

ClinVar aggregate classification (germline): Uncertain significance. Review status: criteria provided, multiple submitters, no conflicts (2 of 4 stars). 2 submissions from 2 submitters: Uncertain significance (2). Last evaluated 2022-08-29.

Conditions:
MYO1E-related disorder. Also called: MYO1E-related condition.

Allele frequency attached by ClinVar (database versions not stated): gnomAD exomes below 0.00001; ExAC 0.00001.
gnomAD v4.1: 2 of 1,614,214 alleles (0.00012%); highest among the groups gnomAD compares: Admixed American, 0.0017%; no homozygotes.

Submissions (2):

PreventionGenetics, part of Exact Sciences
Classification: Uncertain significance for MYO1E-related condition. Last evaluated: 2022-08-29. Review status: criteria provided, single submitter. Criteria: ACMG Guidelines, 2015. Collection method: clinical testing. Allele origin: germline.
Comment: The MYO1E c.2446A>G variant is predicted to result in the amino acid substitution p.Ile816Val. To our knowledge, this variant has not been reported in the literature. This variant is reported in 0.0033% of alleles in individuals of South Asian descent in gnomAD. At this time, the clinical significance of this variant is uncertain due to the absence of conclusive functional and genetic evidence.

Labcorp Genetics (formerly Invitae), Labcorp
Classification: Uncertain significance. Last evaluated: 2021-02-19. Review status: criteria provided, single submitter. Criteria: Invitae Variant Classification Sherloc (09022015). Collection method: clinical testing. Allele origin: germline.
Comment: This sequence change replaces isoleucine with valine at codon 816 of the MYO1E protein (p.Ile816Val). The isoleucine residue is moderately conserved and there is a small physicochemical difference between isoleucine and valine. This variant is present in population databases (rs758157067, ExAC 0.006%). This variant has not been reported in the literature in individuals with MYO1E-related conditions. Algorithms developed to predict the effect of missense changes on protein structure and function (SIFT, PolyPhen-2, Align-GVGD) all suggest that this variant is likely to be tolerated, but these predictions have not been confirmed by published functional studies and their clinical significance is uncertain. In summary, the available evidence is currently insufficient to determine the role of this variant in disease. Therefore, it has been classified as a Variant of Uncertain Significance.

NM_004998.4(MYO1E):c.2446A>G (p.Ile816Val)

Gene: MYO1E (myosin IE; minus strand). Cytogenetic location: 15q22.2.
Variant type: single nucleotide variant.
Coding change: c.2446A>G on transcript NM_004998.4 (MANE Select); coding-DNA position 2446, A replaced by G.
Protein change: p.Ile816Val; replaces isoleucine 816 with valine.
Molecular consequence: missense variant.
Genome position (GRCh38, 1-based): chr15:59,171,931, T>C on the plus strand (A>G on the coding strand, the complement: MYO1E is on the minus strand). VCF-style: chr15-59171931-T-C. GRCh37 (hg19) VCF-style: chr15-59464130-T-C.
Other names: c.2446A>G (NM_004998.3); short protein forms I816V.
Identifiers: ClinVar variation 1490401 (VCV001490401.8), dbSNP rs758157067, ClinGen allele CA7589255.